The following is an entry in ClinVar:

ClinVar aggregate classification (germline): Uncertain significance (1 of 4 stars; one submission).

Allele frequency attached by ClinVar (database versions not stated): gnomAD 0.00001.
gnomAD v4.1: 30 of 1,614,076 alleles (0.0019%); highest among the groups gnomAD compares: Non-Finnish European, 0.0025%; no homozygotes.

Submission:

Labcorp Genetics (formerly Invitae), Labcorp
Classification: Uncertain significance. Last evaluated: 2023-10-05. Review status: criteria provided, single submitter. Criteria: Invitae Variant Classification Sherloc (09022015). Collection method: clinical testing. Allele origin: germline.
Comment: This sequence change replaces histidine, which is basic and polar, with arginine, which is basic and polar, at codon 1726 of the CDK5RAP2 protein (p.His1726Arg). This variant is present in population databases (no rsID available, gnomAD 0.0009%). This variant has not been reported in the literature in individuals affected with CDK5RAP2-related conditions. An algorithm developed to predict the effect of missense changes on protein structure and function (PolyPhen-2) suggests that this variant is likely to be disruptive. In summary, the available evidence is currently insufficient to determine the role of this variant in disease. Therefore, it has been classified as a Variant of Uncertain Significance.

NM_018249.6(CDK5RAP2):c.5177A>G (p.His1726Arg)

Gene: CDK5RAP2 (CDK5 regulatory subunit associated protein 2; minus strand). Cytogenetic location: 9q33.2.
Variant type: single nucleotide variant.
Coding change: c.5177A>G on transcript NM_018249.6 (MANE Select); coding-DNA position 5177, A replaced by G.
Protein change: p.His1726Arg; replaces histidine 1726 with arginine.
Molecular consequence: missense variant. On other transcripts: non-coding transcript variant (5).
Genome position (GRCh38, 1-based): chr9:120,402,936, T>C on the plus strand (A>G on the coding strand, the complement: CDK5RAP2 is on the minus strand). VCF-style: chr9-120402936-T-C. GRCh37 (hg19) VCF-style: chr9-123165214-T-C.
Other names: c.4487A>G, p.His1496Arg (NM_001272039.2); c.5078A>G, p.His1693Arg (NM_001410992.1); c.5081A>G, p.His1694Arg (NM_001410993.1); c.5174A>G, p.His1725Arg (NM_001410994.1); c.4940A>G, p.His1647Arg (NM_001011649.3); short protein forms H1694R, H1725R, H1496R, H1726R, H1647R, H1693R.
Identifiers: ClinVar variation 2888422 (VCV002888422.3), dbSNP rs373833490, ClinGen allele CA374707252.
Genomic context (GRCh38, chr9:120,402,936, plus strand): 5'-CTCTGTCCCTGGCTGATCTGTTTGAGCAGGGCCTCATAGTCCTCAATCAGGCCCAGGACA[T>C]GGCGGCCATTCTTGCTGGCCCACAGGTGGTGGCCAGTGACCAGGCGGGACACACACGGAG-3'
Protein context (NP_060719.4, residues 1716-1736): HHLWASKNGR[His1726Arg]VLGLIEDYEA